The following is an entry in ClinVar:

ClinVar aggregate classification (germline): Benign/Likely benign. Review status: criteria provided, multiple submitters, no conflicts (2 of 4 stars). 2 submissions from 2 submitters: Benign (1); Likely benign (1). Last evaluated 2026-05-06.

Conditions:
Colorectal cancer, hereditary nonpolyposis, type 7. Identifiers: Orphanet 144, MedGen C1858380, MONDO:0013725, OMIM 614385.

Submissions (2):

Myriad Genetics, Inc.
Classification: Benign for Colorectal cancer, hereditary nonpolyposis, type 7. Last evaluated: 2026-05-06. Review status: criteria provided, single submitter. Criteria: Myriad Autosomal Dominant, Autosomal Recessive and X-Linked Classification Criteria (2023). Collection method: clinical testing. Allele origin: unknown.
Comment: This variant is considered benign. This variant is a silent/synonymous amino acid change and it is not expected to impact splicing.

Ambry Genetics
Classification: Likely benign. Last evaluated: 2022-11-11. Review status: criteria provided, single submitter. Criteria: Ambry Variant Classification Scheme 2023. Collection method: clinical testing. Allele origin: germline.

NM_001040108.2(MLH3):c.3600T>C (p.Ile1200=)

Gene: MLH3 (mutL homolog 3; minus strand). Cytogenetic location: 14q24.3.
Variant type: single nucleotide variant.
Coding change: c.3600T>C on transcript NM_001040108.2 (MANE Select); coding-DNA position 3600, T replaced by C.
Protein change: p.Ile1200=; no amino-acid change (isoleucine 1200 retained).
Molecular consequence: synonymous variant.
Genome position (GRCh38, 1-based): chr14:75,038,383, A>G on the plus strand (T>C on the coding strand, the complement: MLH3 is on the minus strand). VCF-style: chr14-75038383-A-G. GRCh37 (hg19) VCF-style: chr14-75505086-A-G.
Other names: c.3600T>C, p.Ile1200= (NM_014381.3).
Identifiers: ClinVar variation 2497050 (VCV002497050.3), dbSNP rs1891568157, ClinGen allele CA487176358.